The following is an entry in ClinVar:

ClinVar aggregate classification (germline): Uncertain significance (1 of 4 stars; one submission).

Conditions:
Hereditary diffuse gastric adenocarcinoma (HDGC). Also called: DIFFUSE GASTRIC AND LOBULAR BREAST CANCER SYNDROME. Identifiers: Orphanet 26106, MedGen C1708349, MONDO:0007648, OMIM 137215.

Submission:

Labcorp Genetics (formerly Invitae), Labcorp
Classification: Uncertain significance for Hereditary diffuse gastric adenocarcinoma. Last evaluated: 2018-04-01. Review status: criteria provided, single submitter. Criteria: Invitae Variant Classification Sherloc (09022015). Collection method: clinical testing. Allele origin: germline.
Comment: Algorithms developed to predict the effect of missense changes on protein structure and function do not agree on the potential impact of this missense change (SIFT: "Tolerated"; PolyPhen-2: "Probably Damaging"; Align-GVGD: "Class C0"). This variant has not been reported in the literature in individuals with CDH1-related disease. This variant is not present in population databases (ExAC no frequency). This sequence change replaces tyrosine with histidine at codon 450 of the CDH1 protein (p.Tyr450His). The tyrosine residue is highly conserved and there is a moderate physicochemical difference between tyrosine and histidine. In summary, the available evidence is currently insufficient to determine the role of this variant in disease. Therefore, it has been classified as a Variant of Uncertain Significance.

NM_004360.5(CDH1):c.1348T>C (p.Tyr450His)

Gene: CDH1 (cadherin 1; plus strand). Cytogenetic location: 16q22.1.
Variant type: single nucleotide variant.
Coding change: c.1348T>C on transcript NM_004360.5 (MANE Select); coding-DNA position 1348, T replaced by C.
Protein change: p.Tyr450His; replaces tyrosine 450 with histidine.
Molecular consequence: missense variant. On other transcripts: 5 prime UTR variant (2).
Genome position (GRCh38, 1-based): chr16:68,815,542, T>C. VCF-style: chr16-68815542-T-C. GRCh37 (hg19) VCF-style: chr16-68849445-T-C.
Other names: c.1348T>C (LRG_301t1); c.1165T>C, p.Tyr389His (NM_001317184.2); c.-201T>C (NM_001317185.2); c.-472T>C (NM_001317186.2); short protein forms Y450H, Y389H.
Identifiers: ClinVar variation 569787 (VCV000569787.9), dbSNP rs750741214, ClinGen allele CA396462739.